The following is an entry in ClinVar:

ClinVar aggregate classification (germline): Uncertain significance (1 of 4 stars; one submission).

Submission:

Labcorp Genetics (formerly Invitae), Labcorp
Classification: Uncertain significance. Last evaluated: 2021-04-07. Review status: criteria provided, single submitter. Criteria: Invitae Variant Classification Sherloc (09022015). Collection method: clinical testing. Allele origin: germline.
Comment: In summary, the available evidence is currently insufficient to determine the role of this variant in disease. Therefore, it has been classified as a Variant of Uncertain Significance. Nucleotide substitutions within the consensus splice site are a relatively common cause of aberrant splicing (PMID: 17576681, 9536098). Algorithms developed to predict the effect of sequence changes on RNA splicing suggest that this variant is not likely to affect RNA splicing, but this prediction has not been confirmed by published transcriptional studies. This variant has not been reported in the literature in individuals with PCDH15-related conditions. This variant is not present in population databases (ExAC no frequency). This sequence change falls in intron 4 of the PCDH15 gene. It does not directly change the encoded amino acid sequence of the PCDH15 protein. It affects a nucleotide within the consensus splice site of the intron.

Literature cited by the submitters: PubMed 17576681; PubMed 9536098.

NM_001384140.1(PCDH15):c.318+4A>C

Gene: PCDH15 (protocadherin related 15; minus strand). Cytogenetic location: 10q21.1.
Variant type: single nucleotide variant.
Coding change: c.318+4A>C on transcript NM_001384140.1 (MANE Select); 4 bases into the intron after coding-DNA position 318, A replaced by C.
Molecular consequence: intron variant.
Genome position (GRCh38, 1-based): chr10:54,378,778, T>G on the plus strand (A>C on the coding strand, the complement: PCDH15 is on the minus strand). VCF-style: chr10-54378778-T-G. GRCh37 (hg19) VCF-style: chr10-56138538-T-G.
Other names: c.318+4A>C (NM_001142765.2, NM_001142766.2, NM_033056.4 and 8 more transcripts); c.333+4A>C (NM_001142763.2, NM_001142771.2, NM_001142769.3); c.252+4A>C (NM_001354404.2, NM_001142773.2, NM_001142768.2).
Identifiers: ClinVar variation 1482587 (VCV001482587.6), dbSNP rs2135022182, ClinGen allele CA2573145218.